The following is an entry in ClinVar:

ClinVar aggregate classification (germline): Pathogenic (1 of 4 stars; one submission).

Conditions:
Ataxia-telangiectasia syndrome (AT). Also called: Ataxia-telangiectasia; LOUIS-BAR SYNDROME; Ataxia-telangiectasia, complementation group D; AT, COMPLEMENTATION GROUP C; ATAXIA-TELANGIECTASIA, COMPLEMENTATION GROUP A; ATAXIA-TELANGIECTASIA, FRESNO VARIANT. Identifiers: Orphanet 100, MedGen C0004135, MONDO:0008840, OMIM 208900.

Submission:

Labcorp Genetics (formerly Invitae), Labcorp
Classification: Pathogenic for Ataxia-telangiectasia syndrome. Last evaluated: 2021-03-24. Review status: criteria provided, single submitter. Criteria: Invitae Variant Classification Sherloc (09022015). Collection method: clinical testing. Allele origin: germline.
Comment: For these reasons, this variant has been classified as Pathogenic. This variant disrupts the C-terminus of the ATM protein. Other variant(s) that disrupt this region (p.Arg2993*) have been determined to be pathogenic (PMID: 12815592, 23322442, 17124347, 16238588, 20840352, 23774824). This suggests that variants that disrupt this region of the protein are likely to be causative of disease. This variant has not been reported in the literature in individuals with ATM-related conditions. This variant is not present in population databases (ExAC no frequency). This sequence change creates a premature translational stop signal (p.Thr2983Tyrfs*6) in the ATM gene. While this is not anticipated to result in nonsense mediated decay, it is expected to disrupt the last 74 amino acid(s) of the ATM protein.

Literature cited by the submitters: PubMed 12815592; PubMed 23322442; PubMed 17124347; PubMed 16238588; PubMed 20840352; PubMed 23774824.

NM_000051.4(ATM):c.8945dup (p.Thr2983fs)

Genes: ATM (ATM serine/threonine kinase; plus strand), C11orf65 (chromosome 11 open reading frame 65; minus strand). Cytogenetic location: 11q22.3.
Variant type: Duplication.
Coding change: c.8945dup on transcript NM_000051.4 (MANE Select); coding-DNA position 8945, one base duplicated (C; older notation c.8945dupC).
Protein change: p.Thr2983fs; shifts the reading frame from threonine 2983.
Molecular consequence: frameshift variant. On other transcripts: intron variant (2).
Genome position (GRCh38, 1-based): chr11:108,365,176, C duplicated; the last of 3 consecutive C bases (chr11:108,365,174-108,365,176); duplicating any one gives the same sequence. VCF-style (leftmost placement, unchanged base first): chr11-108365173-A-AC. GRCh37 (hg19) VCF-style: chr11-108235900-A-AC.
Other names: c.8945dup, p.Thr2983fs (NM_001351834.2); c.640+20746dup (NM_001330368.2); c.694+20746dup (NM_001351110.2); short protein forms T2983fs.
Identifiers: ClinVar variation 1451815 (VCV001451815.9), dbSNP rs2137882907, ClinGen allele CA2573146488.